The following is an entry in ClinVar:

NM_000455.5(STK11):c.628T>G (p.Cys210Gly)

Gene: STK11 (serine/threonine kinase 11; plus strand). Cytogenetic location: 19p13.3.
Variant type: single nucleotide variant.
Coding change: c.628T>G on transcript NM_000455.5 (MANE Select); coding-DNA position 628, T replaced by G.
Protein change: p.Cys210Gly; replaces cysteine 210 with glycine.
Molecular consequence: missense variant.
Genome position (GRCh38, 1-based): chr19:1,220,611, T>G. VCF-style: chr19-1220611-T-G. GRCh37 (hg19) VCF-style: chr19-1220610-T-G.
Other names: c.628T>G, p.Cys210Gly (NM_001407255.1); short protein forms C210G.
Identifiers: ClinVar variation 1714054 (VCV001714054.5), dbSNP rs2145425122, ClinGen allele CA402949516.
Genomic context (GRCh38, chr19:1,220,611, plus strand): 5'-CTCCCTGAGGGCTGCACGGCACCGCCACAGGCACTGCACCCGTTCGCGGCGGACGACACC[T>G]GCCGGACCAGCCAGGGCTCCCCGGCTTTCCAGCCGCCCGAGATTGCCAACGGCCTGGACA-3'
Protein context (NP_000446.1, residues 200-220): ALHPFAADDT[Cys210Gly]RTSQGSPAFQ

ClinVar aggregate classification (germline): Uncertain significance (1 of 4 stars; one submission).

Conditions:
Peutz-Jeghers syndrome (PJS). Also called: Peutz-Jeghers polyposis; Periorificial lentiginosis syndrome; POLYPOSIS, HAMARTOMATOUS INTESTINAL; POLYPS-AND-SPOTS SYNDROME. Identifiers: Orphanet 2869, MedGen C0031269, MeSH D010580, MONDO:0008280, OMIM 175200.

Submission:

Labcorp Genetics (formerly Invitae), Labcorp
Classification: Uncertain significance for Peutz-Jeghers syndrome. Last evaluated: 2022-07-28. Review status: criteria provided, single submitter. Criteria: Invitae Variant Classification Sherloc (09022015). Collection method: clinical testing. Allele origin: germline.
Comment: This sequence change replaces cysteine, which is neutral and slightly polar, with glycine, which is neutral and non-polar, at codon 210 of the STK11 protein (p.Cys210Gly). This variant is not present in population databases (gnomAD no frequency). This variant has not been reported in the literature in individuals affected with STK11-related conditions. Advanced modeling of protein sequence and biophysical properties (such as structural, functional, and spatial information, amino acid conservation, physicochemical variation, residue mobility, and thermodynamic stability) performed at Invitae indicates that this missense variant is expected to disrupt STK11 protein function. In summary, the available evidence is currently insufficient to determine the role of this variant in disease. Therefore, it has been classified as a Variant of Uncertain Significance.